The following is an entry in ClinVar:

ClinVar aggregate classification (germline): Uncertain significance (1 of 4 stars; one submission).

gnomAD v4.1: 3 of 1,614,242 alleles (0.00019%); highest among the groups gnomAD compares: Non-Finnish European, 0.00017%; no homozygotes.

Submission:

Labcorp Genetics (formerly Invitae), Labcorp
Classification: Uncertain significance. Last evaluated: 2025-11-11. Review status: criteria provided, single submitter. Criteria: Invitae Variant Classification Sherloc (09022015). Collection method: clinical testing. Allele origin: germline.
Comment: This sequence change replaces tyrosine, which is neutral and polar, with cysteine, which is neutral and slightly polar, at codon 236 of the ANKZF1 protein (p.Tyr236Cys). This variant is present in population databases (rs764418423, gnomAD 0.01%). This variant has not been reported in the literature in individuals affected with ANKZF1-related conditions. ClinVar contains an entry for this variant (Variation ID: 3710128). An algorithm developed to predict the effect of missense changes on protein structure and function (PolyPhen-2) suggests that this variant is likely to be disruptive. In summary, the available evidence is currently insufficient to determine the role of this variant in disease. Therefore, it has been classified as a Variant of Uncertain Significance.

NM_018089.3(ANKZF1):c.707A>G (p.Tyr236Cys)

Gene: ANKZF1 (ankyrin repeat and zinc finger peptidyl tRNA hydrolase 1; plus strand). Cytogenetic location: 2q35.
Variant type: single nucleotide variant.
Coding change: c.707A>G on transcript NM_018089.3 (MANE Select); coding-DNA position 707, A replaced by G.
Protein change: p.Tyr236Cys; replaces tyrosine 236 with cysteine.
Molecular consequence: missense variant.
Genome position (GRCh38, 1-based): chr2:219,233,321, A>G. VCF-style: chr2-219233321-A-G. GRCh37 (hg19) VCF-style: chr2-220098043-A-G.
Other names: c.707A>G, p.Tyr236Cys (NM_001042410.2); c.77A>G, p.Tyr26Cys (NM_001282792.2); short protein forms Y26C, Y236C.
Identifiers: ClinVar variation 3710128 (VCV003710128.2).